The following is an entry in ClinVar:

ClinVar aggregate classification (germline): Uncertain significance. Review status: criteria provided, multiple submitters, no conflicts (2 of 4 stars). 3 submissions from 3 submitters: Uncertain significance (3). Last evaluated 2025-12-14.

Conditions:
Cardiovascular phenotype. Identifiers: MedGen CN230736.
Cardiomyopathy (CMYO). Also called: Cardiomyopathies. Identifiers: Orphanet 167848, MedGen C0878544, MONDO:0004994, HP:0001638. Inheritance: Various modes of inheritance.
Hypertrophic cardiomyopathy. Also called: HYPERTROPHIC MYOCARDIOPATHY. Identifiers: Orphanet 217569, MedGen C0007194, MeSH D002312, MONDO:0005045, HP:0001639.

Allele frequency attached by ClinVar (database versions not stated): ExAC 0.00001.
gnomAD v4.1: 1 of 1,613,404 alleles (0.000062%); no homozygotes.

Submissions (3):

Labcorp Genetics (formerly Invitae), Labcorp
Classification: Uncertain significance for Hypertrophic cardiomyopathy. Last evaluated: 2025-12-14. Review status: criteria provided, single submitter. Criteria: Invitae Variant Classification Sherloc (09022015). Collection method: clinical testing. Allele origin: germline.
Comment: This sequence change replaces glutamic acid, which is acidic and polar, with glutamine, which is neutral and polar, at codon 1387 of the MYH7 protein (p.Glu1387Gln). This variant is present in population databases (rs730880792, gnomAD 0.01%). This missense change has been observed in individual(s) with hypertrophic cardiomyopathy (internal data). ClinVar contains an entry for this variant (Variation ID: 1014897). Invitae Evidence Modeling of protein sequence and biophysical properties (such as structural, functional, and spatial information, amino acid conservation, physicochemical variation, residue mobility, and thermodynamic stability) indicates that this missense variant is expected to disrupt MYH7 protein function with a positive predictive value of 95%. In summary, the available evidence is currently insufficient to determine the role of this variant in disease. Therefore, it has been classified as a Variant of Uncertain Significance.

Color Diagnostics, LLC DBA Color Health
Classification: Uncertain significance for Cardiomyopathy. Last evaluated: 2025-07-21. Review status: criteria provided, single submitter. Criteria: ACMG Guidelines, 2015. Collection method: clinical testing. Allele origin: germline.
Comment: This missense variant replaces glutamic acid with glutamine at codon 1387 of the MYH7 protein. Computational prediction suggests that this variant may have a deleterious impact on protein structure and function. To our knowledge, functional studies have not been reported for this variant. This variant has been reported in individuals affected with hypertrophic cardiomyopathy (PMID: 27217341, 28687478) and in an individual suspected to be affected with cardiomyopathy or arrhythmia (PMID: 35947370). This variant has been identified in 1/251448 chromosomes in the general population by the Genome Aggregation Database (gnomAD). The available evidence is insufficient to determine the role of this variant in disease conclusively. Therefore, this variant is classified as a Variant of Uncertain Significance.

Ambry Genetics
Classification: Uncertain significance for Cardiovascular phenotype. Last evaluated: 2021-09-16. Review status: criteria provided, single submitter. Criteria: Ambry Variant Classification Scheme 2023. Collection method: clinical testing. Allele origin: germline.
Comment: The p.E1387Q variant (also known as c.4159G>C), located in coding exon 28 of the MYH7 gene, results from a G to C substitution at nucleotide position 4159. The glutamic acid at codon 1387 is replaced by glutamine, an amino acid with highly similar properties. This alteration has been reported in hypertrophic cardiomyopathy (HCM) cohorts (O'Mahony C et al. Circ Arrhythm Electrophysiol, 2016 06;9:[ePub ahead of print]; P&eacute;rez-S&aacute;nchez I et al. Rev Esp Cardiol (Engl Ed), 2018 Mar;71:146-154). This amino acid position is highly conserved in available vertebrate species. In addition, the in silico prediction for this alteration is inconclusive. Since supporting evidence is limited at this time, the clinical significance of this alteration remains unclear.

Literature cited by the submitters: PubMed 27217341 (cited by Color Diagnostics, LLC DBA Color Health and Ambry Genetics); PubMed 28687478 (cited by Color Diagnostics, LLC DBA Color Health and Ambry Genetics); PubMed 35947370 (cited by Color Diagnostics, LLC DBA Color Health).

NM_000257.4(MYH7):c.4159G>C (p.Glu1387Gln)

Gene: MYH7 (myosin heavy chain 7; minus strand). Cytogenetic location: 14q11.2.
Variant type: single nucleotide variant.
Coding change: c.4159G>C on transcript NM_000257.4 (MANE Select); coding-DNA position 4159, G replaced by C.
Protein change: p.Glu1387Gln; replaces glutamic acid 1387 with glutamine.
Molecular consequence: missense variant.
Genome position (GRCh38, 1-based): chr14:23,418,220, C>G on the plus strand (G>C on the coding strand, the complement: MYH7 is on the minus strand). VCF-style: chr14-23418220-C-G. GRCh37 (hg19) VCF-style: chr14-23887429-C-G.
Other names: short protein forms E1387Q.
Identifiers: ClinVar variation 1014897 (VCV001014897.12), dbSNP rs730880792, ClinGen allele CA040548.
Genomic context (GRCh38, chr14:23,418,220, plus strand): 5'-TCCTGCCTGCAAAGGGGCCTCAGCCAGAAGTCAGGCTGCTCAGAACTCACTTGGCCTCCT[C>G]GAGCTCCTCAGTCCGCTGAATGGCGTCCGTCTCATACTTGGTCCTCCACTGGGCCACCTC-3'
Protein context (NP_000248.2, residues 1377-1397): TDAIQRTEEL[Glu1387Gln]EAKKKLAQRL